The following is an entry in ClinVar:

NM_006218.4(PIK3CA):c.2476A>G (p.Asn826Asp)

Gene: PIK3CA (phosphatidylinositol-4,5-bisphosphate 3-kinase catalytic subunit alpha; plus strand). Cytogenetic location: 3q26.32.
Variant type: single nucleotide variant.
Coding change: c.2476A>G on transcript NM_006218.4 (MANE Select); coding-DNA position 2476, A replaced by G.
Protein change: p.Asn826Asp; replaces asparagine 826 with aspartic acid.
Molecular consequence: missense variant.
Genome position (GRCh38, 1-based): chr3:179,226,021, A>G. VCF-style: chr3-179226021-A-G. GRCh37 (hg19) VCF-style: chr3-178943809-A-G.
Other names: short protein forms N826D.
Identifiers: ClinVar variation 1791838 (VCV001791838.2), dbSNP rs2473540999, ClinGen allele CA355274583.

ClinVar aggregate classification (germline): Uncertain significance (1 of 4 stars; one submission).

Conditions:
Inborn genetic diseases. Identifiers: MedGen C0950123, MeSH D030342.

Submission:

Ambry Genetics
Classification: Uncertain significance for Inborn genetic diseases. Last evaluated: 2021-12-22. Review status: criteria provided, single submitter. Criteria: Ambry Variant Classification Scheme 2023. Collection method: clinical testing. Allele origin: germline.
Comment: The p.N826D variant (also known as c.2476A>G), located in coding exon 16 of the PIK3CA gene, results from an A to G substitution at nucleotide position 2476. The asparagine at codon 826 is replaced by aspartic acid, an amino acid with highly similar properties. This amino acid position is conserved. In addition, this alteration is predicted to be tolerated by in silico analysis. Since supporting evidence is limited at this time, the clinical significance of this alteration remains unclear.